The following is an entry in ClinVar:

ClinVar aggregate classification (germline): Conflicting classifications of pathogenicity. Review status: criteria provided, conflicting classifications (1 of 4 stars). 5 submissions from 5 submitters: Uncertain significance (1); Likely benign (4). Last evaluated 2025-11-09.

Conditions:
Marfan syndrome (MFS). Also called: MARFAN SYNDROME, TYPE I; FBN1-Related Marfan Syndrome; Marfan syndrome type 1; Marfan's syndrome; Marfan syndrome, classic. Identifiers: Orphanet 284963, Orphanet 558, MedGen C0024796, MONDO:0007947, OMIM 154700.
Familial thoracic aortic aneurysm and aortic dissection (TAAD). Also called: Thoracic aortic aneurysms and dissections. Identifiers: Orphanet 91387, MedGen C4707243, MONDO:0019625.

Allele frequency attached by ClinVar (database versions not stated): ExAC 0.00005; TOPMed 0.00002; gnomAD exomes 0.00004 and 0.00002; gnomAD 0.00001.
gnomAD v4.1: 15 of 1,614,012 alleles (0.00093%); highest among the groups gnomAD compares: East Asian, 0.011%; no homozygotes.

Submissions (5):

Labcorp Genetics (formerly Invitae), Labcorp
Classification: Likely benign for Marfan syndrome; Familial thoracic aortic aneurysm and aortic dissection. Last evaluated: 2025-11-09. Review status: criteria provided, single submitter. Criteria: Invitae Variant Classification Sherloc (09022015). Collection method: clinical testing. Allele origin: germline.

All of Us Research Program, National Institutes of Health
Classification: Likely benign for Marfan syndrome. Last evaluated: 2024-05-30. Review status: criteria provided, single submitter. Criteria: ACMG Guidelines, 2015. Collection method: clinical testing. Allele origin: germline. Inheritance: Autosomal dominant inheritance. Observed: 2 variant alleles, 2 heterozygotes.
Comment: This study involves interpretation of variants in research participants for the purpose of population health screening. Participant phenotype was not available at the time of variant classification. Additional details can be found in publication PMID: 35346344, PMCID: PMC8962531

GeneDx
Classification: Uncertain significance. Last evaluated: 2024-01-17. Review status: criteria provided, single submitter. Criteria: GeneDx Variant Classification Process June 2021. Collection method: clinical testing. Allele origin: germline. Affected: yes.
Comment: In silico analysis supports that this variant does not alter splicing; Has not been previously published as pathogenic or benign to our knowledge

Ambry Genetics
Classification: Likely benign for Familial thoracic aortic aneurysm and aortic dissection. Last evaluated: 2021-05-10. Review status: criteria provided, single submitter. Criteria: Ambry Variant Classification Scheme 2023. Collection method: clinical testing. Allele origin: germline.

Color Diagnostics, LLC DBA Color Health
Classification: Likely benign for Familial thoracic aortic aneurysm and aortic dissection. Last evaluated: 2018-11-21. Review status: criteria provided, single submitter. Criteria: ACMG Guidelines, 2015. Collection method: clinical testing. Allele origin: germline.

NM_000138.5(FBN1):c.3330C>T (p.Asn1110=)

Gene: FBN1 (fibrillin 1; minus strand). Cytogenetic location: 15q21.1.
Variant type: single nucleotide variant.
Coding change: c.3330C>T on transcript NM_000138.5 (MANE Select); coding-DNA position 3330, C replaced by T.
Protein change: p.Asn1110=; no amino-acid change (asparagine 1110 retained).
Molecular consequence: synonymous variant.
Genome position (GRCh38, 1-based): chr15:48,488,120, G>A on the plus strand (C>T on the coding strand, the complement: FBN1 is on the minus strand). VCF-style: chr15-48488120-G-A. GRCh37 (hg19) VCF-style: chr15-48780317-G-A.
Identifiers: ClinVar variation 704461 (VCV000704461.16), dbSNP rs374584763, ClinGen allele CA050304.